The following is an entry in ClinVar:

ClinVar aggregate classification (germline): Pathogenic. Review status: criteria provided, multiple submitters, no conflicts (2 of 4 stars). 10 submissions from 10 submitters: Pathogenic (6). 4 of the submissions do not count toward it. Last evaluated 2025-08-27.

Conditions:
Breast and/or ovarian cancer. Identifiers: MedGen CN221562.
ATM-related disorder. Also called: ATM-related disorders; ATM-related condition.
Hereditary cancer-predisposing syndrome. Also called: Tumor predisposition; Hereditary Cancer Syndrome; Hereditary neoplastic syndrome; Neoplastic Syndromes, Hereditary. Identifiers: Orphanet 140162, MedGen C0027672, MeSH D009386, MONDO:0015356.
Familial cancer of breast. Also called: hereditary breast carcinoma; BREAST CANCER, FAMILIAL; Hereditary breast cancer. Identifiers: Orphanet 227535, MedGen C0346153, MONDO:0016419, OMIM 114480. Disease mechanism: loss of function.
Ataxia-telangiectasia syndrome (AT). Also called: Ataxia telangiectasia (A-T); LOUIS-BAR SYNDROME; Cerebello-oculocutaneous telangiectasia; Immunodeficiency with ataxia telangiectasia; ATAXIA-TELANGIECTASIA, COMPLEMENTATION GROUP A; ATAXIA-TELANGIECTASIA, FRESNO VARIANT. Identifiers: Orphanet 100, MedGen C0004135, MONDO:0008840, OMIM 208900.

Submissions (10):

GeneDx
Classification: Pathogenic. Last evaluated: 2025-08-27. Review status: criteria provided, single submitter. Criteria: GeneDx Variant Classification Process June 2021. Collection method: clinical testing. Allele origin: germline. Affected: yes.
Comment: Frameshift variant predicted to result in protein truncation or nonsense mediated decay in a gene for which loss-of-function is a known mechanism of disease; Not observed at significant frequency in large population cohorts (gnomAD); Truncating variants in this gene are considered pathogenic by a well-established clinical consortium and/or database; This variant is associated with the following publications: (PMID: 9887333, 28492532, 34887416, 21833744, 26822949, 29445900, 30666157, 33804961, 25614872, 23807571)

Labcorp Genetics (formerly Invitae), Labcorp
Classification: Pathogenic for Ataxia-telangiectasia syndrome. Last evaluated: 2025-08-09. Review status: criteria provided, single submitter. Criteria: Invitae Variant Classification Sherloc (09022015). Collection method: clinical testing. Allele origin: germline.
Comment: This sequence change creates a premature translational stop signal (p.Thr1284Glnfs*9) in the ATM gene. It is expected to result in an absent or disrupted protein product. Loss-of-function variants in ATM are known to be pathogenic (PMID: 23807571, 25614872). This variant is not present in population databases (gnomAD no frequency). This premature translational stop signal has been observed in individual(s) with ataxia-telangiectasia and/or breast cancer (PMID: 9887333, 21833744, 26822949). ClinVar contains an entry for this variant (Variation ID: 234124). For these reasons, this variant has been classified as Pathogenic.

Ambry Genetics
Classification: Pathogenic for Hereditary cancer-predisposing syndrome. Last evaluated: 2025-07-14. Review status: criteria provided, single submitter. Criteria: Ambry Variant Classification Scheme 2023. Collection method: clinical testing. Allele origin: germline.
Comment: The c.3850delA pathogenic mutation, located in coding exon 25 of the ATM gene, results from a deletion of one nucleotide at nucleotide position 3850, causing a translational frameshift with a predicted alternate stop codon (p.T1284Qfs*9). This mutation (designated as 3849delA) has been identified in an individual with pancreatic cancer and detected homozygous in an individual with ataxia-telangiectasia (Lovecek M et al. Cancer Manag Res, 2019 Jan;11:599-609; Sandoval N et al. Hum. Mol. Genet. 1999 Jan; 8(1):69-79). In addition to the clinical data presented in the literature, this alteration is expected to result in loss of function by premature protein truncation or nonsense-mediated mRNA decay. As such, this alteration is interpreted as a disease-causing mutation.

Myriad Genetics, Inc.
Classification: Pathogenic for Familial cancer of breast. Last evaluated: 2024-01-23. Review status: criteria provided, single submitter. Criteria: Myriad Autosomal Dominant, Autosomal Recessive and X-Linked Classification Criteria (2023). Collection method: clinical testing. Allele origin: unknown.
Comment: This variant is considered pathogenic. This variant creates a frameshift predicted to result in premature protein truncation.

Color Diagnostics, LLC DBA Color Health
Classification: Pathogenic for Hereditary cancer-predisposing syndrome. Last evaluated: 2021-06-28. Review status: criteria provided, single submitter. Criteria: ACMG Guidelines, 2015. Collection method: clinical testing. Allele origin: germline.
Comment: This variant deletes 1 nucleotide in exon 26 of the ATM gene, creating a frameshift and premature translation stop signal. This variant is expected to result in an absent or non-functional protein product. This variant has been reported in the homozygous or compound heterozygous state with an additional pathogenic ATM variant in individuals affected with ataxia-telangiectasia (PMID: 9887333, 21833744). This variant has also been reported in individuals affected with breast and pancreatic cancer (PMID: 26822949, 29445900). This variant has not been identified in the general population by the Genome Aggregation Database (gnomAD). Loss of ATM function is a known mechanism of disease. Based on the available evidence, this variant is classified as Pathogenic.

Imagene.me medical diagnostic laboratory, IMAGENE.ME SA
Classification: Pathogenic for Familial cancer of breast. Review status: criteria provided, single submitter. Criteria: IMAGENE.ME Variant Classification SOP 2022. Collection method: clinical testing. Allele origin: germline.
Comment: Classified according to the IMAGENE.ME variant classification SOP based on the ACMG guidelines as Pathogenic (P): PVS1 + PS4_Moderate + PM2 + PP5

PreventionGenetics, part of Exact Sciences
Classification: Pathogenic for ATM-related condition. Last evaluated: 2024-02-14. Review status: no assertion criteria provided. Collection method: clinical testing. Allele origin: germline. Not counted in ClinVar's aggregate classification.
Comment: The ATM c.3850delA variant is predicted to result in a frameshift and premature protein termination (p.Thr1284Glnfs*9). This variant was reported in individual(s) with ataxia-telangiectasia and/or breast cancer (examples: Table 2, Soukupova J et al 2011. PubMed ID: 21833744; Table 1, Lhota F et al 2016. PubMed ID: 26822949). This variant has not been reported in a large population database, indicating this variant is rare. This variant is interpreted as pathogenic in ClinVar. Frameshift variants in ATM are considered pathogenic. In summary, this variant is interpreted as pathogenic.

Natera, Inc.
Classification: Pathogenic for Ataxia-telangiectasia. Last evaluated: 2020-09-16. Review status: no assertion criteria provided. Collection method: clinical testing. Allele origin: germline. Not counted in ClinVar's aggregate classification.

CZECANCA consortium
Classification: Pathogenic for Breast and/or ovarian cancer. Last evaluated: 2019-06-11. Review status: no assertion criteria provided. Collection method: case-control. Allele origin: germline. Affected: no. Observed: 1 variant allele. Not counted in ClinVar's aggregate classification.

Counsyl
Classification: Pathogenic for Ataxia-telangiectasia syndrome. Last evaluated: 2017-05-23. Review status: no assertion criteria provided. Collection method: clinical testing. Allele origin: unknown. Not counted in ClinVar's aggregate classification.

Literature cited by the submitters: PubMed 23807571 (cited by Labcorp Genetics (formerly Invitae), Labcorp); PubMed 25614872 (cited by Labcorp Genetics (formerly Invitae), Labcorp); PubMed 9887333 (cited by 3 submitters); PubMed 21833744 (cited by Labcorp Genetics (formerly Invitae), Labcorp and Counsyl); PubMed 26822949 (cited by Labcorp Genetics (formerly Invitae), Labcorp); PubMed 30666157 (cited by Ambry Genetics); PubMed 32295079 (cited by CZECANCA consortium).

NM_000051.4(ATM):c.3850del (p.Thr1284fs)

Gene: ATM (ATM serine/threonine kinase; plus strand). Cytogenetic location: 11q22.3.
Variant type: Deletion.
Coding change: c.3850del on transcript NM_000051.4 (MANE Select); coding-DNA position 3850, one base deleted (A; older notation c.3850delA).
Protein change: p.Thr1284fs; shifts the reading frame from threonine 1284.
Molecular consequence: frameshift variant.
Genome position (GRCh38, 1-based): chr11:108,284,330, A deleted; the last of 2 consecutive A bases (chr11:108,284,329-108,284,330); deleting either gives the same sequence. VCF-style (leftmost placement, unchanged base first): chr11-108284328-TA-T. GRCh37 (hg19) VCF-style: chr11-108155055-TA-T.
Other names: c.3849delA (NM_000051.3); c.3850delA (NM_000051.3); c.3850del, p.Thr1284fs (NM_001351834.2); short protein forms T1284fs.
Identifiers: ClinVar variation 234124 (VCV000234124.28), dbSNP rs876660865, ClinGen allele CA10579124.